The following is an entry in ClinVar:

NM_000032.5(ALAS2):c.1318G>C (p.Gly440Arg)

Gene: ALAS2 (5'-aminolevulinate synthase 2; minus strand). Cytogenetic location: Xp11.21.
Variant type: single nucleotide variant.
Coding change: c.1318G>C on transcript NM_000032.5 (MANE Select); coding-DNA position 1318, G replaced by C.
Protein change: p.Gly440Arg; replaces glycine 440 with arginine.
Molecular consequence: missense variant.
Genome position (GRCh38, 1-based): chrX:55,014,866, C>G on the plus strand (G>C on the coding strand, the complement: ALAS2 is on the minus strand). VCF-style: chrX-55014866-C-G. GRCh37 (hg19) VCF-style: chrX-55041299-C-G.
Other names: p.G440R:GGA>CGA; c.1318G>C, p.Gly440Arg (LRG_1163t1); c.1207G>C, p.Gly403Arg (NM_001037967.4); c.1279G>C, p.Gly427Arg (NM_001037968.4); short protein forms G440R, G427R, G403R.
Identifiers: ClinVar variation 214098 (VCV000214098.6), dbSNP rs758646032, ClinGen allele CA323834.
Genomic context (GRCh38, chrX:55,014,866, plus strand): 5'-GCTGGCGCATGTGCTTGACATTGCGCTGGTGGGCTCGCCTCAGGGCTTGGCCCTCCTCTC[C>G]CTTGAGCAGCCGCACAGATTCTAGAGCTCCAGAGAGCACCATGGGGGGCAGAGAAGTGGT-3'
Protein context (NP_000023.2, residues 430-450): GALESVRLLK[Gly440Arg]EEGQALRRAH

ClinVar aggregate classification (germline): Conflicting classifications of pathogenicity. Review status: criteria provided, conflicting classifications (1 of 4 stars). 2 submissions from 2 submitters: Uncertain significance (1); Benign (1). Last evaluated 2018-01-13.

Conditions:
X-linked sideroblastic anemia 1. Also called: Anemia, hereditary sideroblastic 1, pyridoxine refractory; X-linked pyridoxine-refractory sideroblastic anemia; ANEMIA, SIDEROBLASTIC, 1, PYRIDOXINE REFRACTORY; Erythroid 5-aminolevulinate synthase deficiency; X chromosome-linked sideroblastic anemia; Anemia, sideroblastic, 1. Identifiers: Orphanet 75563, MedGen C4551511, MONDO:0020721, OMIM 300751. Disease mechanism: loss of function.

Allele frequency attached by ClinVar (database versions not stated): gnomAD exomes 0.00001 and 0.00002; TOPMed 0.00002; ExAC 0.00003.
gnomAD v4.1: 8 of 1,206,901 alleles (0.00066%); highest among the groups gnomAD compares: Non-Finnish European, 0.0009%; no homozygotes.

Submissions (2):

Illumina Laboratory Services, Illumina
Classification: Benign for X-linked sideroblastic anemia 1. Last evaluated: 2018-01-13. Review status: criteria provided, single submitter. Criteria: ICSL Variant Classification Criteria 13 December 2019. Collection method: clinical testing. Allele origin: germline.
Comment: This variant was observed in the ICSL laboratory as part of a predisposition screen in an ostensibly healthy population. It had not been previously curated by ICSL or reported in the Human Gene Mutation Database (HGMD: prior to June 1st, 2018), and was therefore a candidate for classification through an automated scoring system. Utilizing variant allele frequency, disease prevalence and penetrance estimates, and inheritance mode, an automated score was calculated to assess if this variant is too frequent to cause the disease. Based on the score and internal cut-off values, a variant classified as benign is not then subjected to further curation. The score for this variant resulted in a classification of benign for this disease.

GeneDx
Classification: Uncertain significance. Last evaluated: 2017-09-22. Review status: criteria provided, single submitter. Criteria: GeneDx Variant Classification (06012015). Collection method: clinical testing. Allele origin: germline. Affected: yes.
Comment: p.Gly440Arg (GGA>CGA): c.1318 G>C in exon 9 of the ALAS2 gene (NM_000032.4). Mutations in the ALAS2 gene are associated with X-linked sideroblastic anemia and erythropoietic protoporphyria. The G440R missense substitution has not been published as a mutation, nor has it been reported as a benign polymorphism to our knowledge. The amino acid change is non-conservative in that a small, uncharged Glycine residue is replaced by a large, positively charged Arginine residue. This change occurs at a position in the ALAS2 protein that is not highly conserved. Missense mutations at nearby positions (R436W, R448Q) have been reported in association with sideroblastic anemia, and multiple in-silico analysis models predict that G440R is damaging to the ALAS2 protein. Therefore, based on the currently available information, it is unclear whether G440R is a disease-causing mutation or a rare benign variant. The variant is found in MITONUC-MITOP panel(s).